The following is an entry in ClinVar:

ClinVar aggregate classification (germline): Likely pathogenic. Review status: criteria provided, single submitter (1 of 4 stars). 2 submissions from 2 submitters: Likely pathogenic (1). 1 of the submissions does not count toward it. Last evaluated 2022-05-22.

Conditions:
Glaucoma 3, primary congenital, E (GLC3E). Identifiers: MedGen C4310639, MONDO:0014998, OMIM 617272.

Submissions (2):

3billion
Classification: Likely pathogenic for Glaucoma 3, primary congenital, E. Last evaluated: 2022-05-22. Review status: criteria provided, single submitter. Criteria: ACMG Guidelines, 2015. Collection method: clinical testing. Allele origin: germline. Affected: yes. Observed: 1 heterozygote.
Comment: The variant is not observed in the gnomAD v2.1.1 dataset. Stop-gained (nonsense): predicted to result in a loss or disruption of normal protein function through nonsense-mediated decay (NMD) or protein truncation. Multiple pathogenic variants are reported downstream of the variant. Therefore, this variant is classified as likely pathogenic according to the recommendation of ACMG/AMP guideline.

Ophthalmo-Genetics Lab, Instituto de Oftalmologia Conde de Valenciana
Classification: Pathogenic for Glaucoma 3, primary congenital, E. Review status: no assertion criteria provided. Collection method: research. Allele origin: germline. Inheritance: Autosomal dominant inheritance. Affected: yes. Observed: 1 heterozygote. Not counted in ClinVar's aggregate classification.

Literature cited by the submitters: DOI 10.3389/fgene.2021.764509 (cited by Ophthalmo-Genetics Lab, Instituto de Oftalmologia Conde de Valenciana).

NM_000459.5(TEK):c.3165C>A (p.Tyr1055Ter)

Gene: TEK (TEK receptor tyrosine kinase; plus strand). Cytogenetic location: 9p21.2.
Variant type: single nucleotide variant.
Coding change: c.3165C>A on transcript NM_000459.5 (MANE Select); coding-DNA position 3165, C replaced by A.
Protein change: p.Tyr1055Ter; replaces tyrosine 1055 with a stop codon.
Molecular consequence: nonsense.
Genome position (GRCh38, 1-based): chr9:27,220,110, C>A. VCF-style: chr9-27220110-C-A. GRCh37 (hg19) VCF-style: chr9-27220108-C-A.
Other names: c.3036C>A, p.Tyr1012Ter (NM_001290077.2); c.2721C>A, p.Tyr907Ter (NM_001290078.2); c.3162C>A, p.Tyr1054Ter (NM_001375475.1); c.3033C>A, p.Tyr1011Ter (NM_001375476.1); short protein forms Y1011*, Y1012*, Y1054*, Y1055*, Y907*.
Identifiers: ClinVar variation 1687360 (VCV001687360.2), dbSNP rs1826003461, ClinGen allele CA373128004.
Genomic context (GRCh38, chr9:27,220,110, plus strand): 5'-AGGCACACCCTACTGCGGGATGACTTGTGCAGAACTCTACGAGAAGCTGCCCCAGGGCTA[C>A]AGACTGGAGAAGCCCCTGAACTGTGATGATGAGGTGTAAGTCAGGCCTCATCCTGGGGCT-3'